The following is an entry in ClinVar:

ClinVar aggregate classification (germline): Likely pathogenic (1 of 4 stars; one submission).

Submission:

GeneDx
Classification: Likely pathogenic. Last evaluated: 2016-08-01. Review status: criteria provided, single submitter. Criteria: GeneDx Variant Classification (06012015). Collection method: clinical testing. Allele origin: germline. Affected: yes.
Comment: A variant that is likely pathogenic has been identified in the ABCC9 gene. While the R1116L variant has not been published as a pathogenic variant or reported as a benign variant, the R1116H and R1116C variants in the same residue have both been reported in patients with Cantu syndrome (Harakalova et al., 2012). The R1116H variant has been reported as a de novo variant in two additional patients with Cantu syndrome (Czeschik et al., 2013; Zhu et al., 2015). The R1116L variant was not observed in approximately 6,500 individuals of European and African American ancestry in the NHLBI Exome Sequencing Project, indicating it is not a common benign variant in these populations. The R1116L variant is a non-conservative amino acid substitution, which is likely to impact secondary protein structure as these residues differ in polarity, charge, size and/or other properties. This substitution occurs at a position that is conserved across species. Finally, functional studies demonstrated that the R1116H variant in the same codon results in reduced ATP sensitivity (Harakalova et al., 2012).Therefore, this variant is likely pathogenic. In order to definitively determine its clinical significance, additional data is required.

NM_020297.4(ABCC9):c.3347G>T (p.Arg1116Leu)

Gene: ABCC9 (ATP binding cassette subfamily C member 9; minus strand). Cytogenetic location: 12p12.1.
Variant type: single nucleotide variant.
Coding change: c.3347G>T on transcript NM_020297.4 (MANE Select); coding-DNA position 3347, G replaced by T.
Protein change: p.Arg1116Leu; replaces arginine 1116 with leucine.
Molecular consequence: missense variant.
Genome position (GRCh38, 1-based): chr12:21,842,440, C>A on the plus strand (G>T on the coding strand, the complement: ABCC9 is on the minus strand). VCF-style: chr12-21842440-C-A. GRCh37 (hg19) VCF-style: chr12-21995374-C-A.
Other names: c.3347G>T, p.Arg1116Leu (NM_001377273.1, NM_005691.4); c.2480G>T, p.Arg827Leu (NM_001377274.1); short protein forms R1116L, R827L.
Identifiers: ClinVar variation 387946 (VCV000387946.2), dbSNP rs387907227, ClinGen allele CA16607192.